The following is an entry in ClinVar:

ClinVar aggregate classification (germline): Uncertain significance. Review status: criteria provided, multiple submitters, no conflicts (2 of 4 stars). 3 submissions from 3 submitters: Uncertain significance (3). Last evaluated 2025-06-07.

Conditions:
Generalized juvenile polyposis/juvenile polyposis coli. Also called: Juvenile polyposis coli. Identifiers: Orphanet 329971, MedGen C1868081, MONDO:0008276.
Juvenile polyposis syndrome (JPS). Identifiers: Orphanet 2929, MedGen C0345893, MONDO:0017380, OMIM 174900.
Familial thoracic aortic aneurysm and aortic dissection (TAAD). Also called: Thoracic aortic aneurysms and dissections. Identifiers: Orphanet 91387, MedGen C4707243, MONDO:0019625.
Hereditary cancer-predisposing syndrome. Also called: Hereditary Cancer Syndrome; Hereditary neoplastic syndrome; Neoplastic Syndromes, Hereditary; Tumor predisposition. Identifiers: Orphanet 140162, MedGen C0027672, MeSH D009386, MONDO:0015356.

Submissions (3):

Ambry Genetics
Classification: Uncertain significance for Hereditary cancer-predisposing syndrome; Familial thoracic aortic aneurysm and aortic dissection. Last evaluated: 2025-06-07. Review status: criteria provided, single submitter. Criteria: Ambry Variant Classification Scheme 2023. Collection method: clinical testing. Allele origin: germline.
Comment: The p.G231V variant (also known as c.692G>T), located in coding exon 5 of the SMAD4 gene, results from a G to T substitution at nucleotide position 692. The glycine at codon 231 is replaced by valine, an amino acid with dissimilar properties. This amino acid position is conserved. In addition, the in silico prediction for this alteration is inconclusive. Based on the available evidence, the clinical significance of this variant remains unclear.

Labcorp Genetics (formerly Invitae), Labcorp
Classification: Uncertain significance for Juvenile polyposis syndrome. Last evaluated: 2025-04-07. Review status: criteria provided, single submitter. Criteria: Invitae Variant Classification Sherloc (09022015). Collection method: clinical testing. Allele origin: germline.
Comment: This sequence change replaces glycine, which is neutral and non-polar, with valine, which is neutral and non-polar, at codon 231 of the SMAD4 protein (p.Gly231Val). This variant is not present in population databases (gnomAD no frequency). This variant has not been reported in the literature in individuals affected with SMAD4-related conditions. ClinVar contains an entry for this variant (Variation ID: 1327574). Invitae Evidence Modeling of protein sequence and biophysical properties (such as structural, functional, and spatial information, amino acid conservation, physicochemical variation, residue mobility, and thermodynamic stability) indicates that this missense variant is not expected to disrupt SMAD4 protein function with a negative predictive value of 95%. In summary, the available evidence is currently insufficient to determine the role of this variant in disease. Therefore, it has been classified as a Variant of Uncertain Significance.

St. Jude Molecular Pathology, St. Jude Children's Research Hospital
Classification: Uncertain significance for Juvenile polyposis syndrome. Last evaluated: 2021-11-22. Review status: criteria provided, single submitter. Criteria: St. Jude Assertion Criteria 2020. Collection method: clinical testing. Allele origin: germline.
Comment: The SMAD4 c.692G>T; p.Gly231Val missense change is absent in gnomAD v2.1.1, however data at this position may not be reliable. Seven of seven in silico tools predict a benign effect of this variant on protein function (BP4), but to our knowledge these predictions have not been confirmed by functional studies. To our knowledge, this variant has not been reported in individuals with juvenile polyposis syndrome. In summary, this variant meets criteria to be classified as of uncertain significance based on the ACMG/AMP criteria: BP4.

NM_005359.6(SMAD4):c.692G>T (p.Gly231Val)

Gene: SMAD4 (SMAD family member 4; plus strand). Cytogenetic location: 18q21.2.
Variant type: single nucleotide variant.
Coding change: c.692G>T on transcript NM_005359.6 (MANE Select); coding-DNA position 692, G replaced by T.
Protein change: p.Gly231Val; replaces glycine 231 with valine.
Molecular consequence: missense variant.
Genome position (GRCh38, 1-based): chr18:51,058,149, G>T. VCF-style: chr18-51058149-G-T. GRCh37 (hg19) VCF-style: chr18-48584519-G-T.
Other names: short protein forms G231V.
Identifiers: ClinVar variation 1327574 (VCV001327574.10), dbSNP rs759679579, ClinGen allele CA402462679.